The following is an entry in ClinVar:

ClinVar aggregate classification (germline): Uncertain significance. Review status: criteria provided, multiple submitters, no conflicts (2 of 4 stars). 2 submissions from 2 submitters: Uncertain significance (2). Last evaluated 2025-04-14.

Conditions:
Periodic fever-infantile enterocolitis-autoinflammatory syndrome. Also called: Autoinflammation with infantile enterocolitis. Identifiers: Orphanet 436166, MedGen C4015067, MONDO:0014472, OMIM 616050.
Familial cold autoinflammatory syndrome 4 (FCAS4). Identifiers: Orphanet 47045, Orphanet 576349, MedGen C4015276, MONDO:0014498, OMIM 616115.

Allele frequency attached by ClinVar (database versions not stated): gnomAD 0.00001 and 0.00005; gnomAD exomes 0.00003 and 0.00007; TOPMed 0.00006; ExAC 0.00009; 1000 Genomes Project 0.00120; 1000 Genomes Project 30x 0.00125.
gnomAD v4.1: 52 of 1,604,518 alleles (0.0032%); highest among the groups gnomAD compares: Admixed American, 0.022%; 1 homozygote.

Submissions (2):

Labcorp Genetics (formerly Invitae), Labcorp
Classification: Uncertain significance for Periodic fever-infantile enterocolitis-autoinflammatory syndrome; Familial cold autoinflammatory syndrome 4. Last evaluated: 2025-04-14. Review status: criteria provided, single submitter. Criteria: Invitae Variant Classification Sherloc (09022015). Collection method: clinical testing. Allele origin: germline.
Comment: This sequence change replaces arginine, which is basic and polar, with histidine, which is basic and polar, at codon 948 of the NLRC4 protein (p.Arg948His). This variant is present in population databases (rs186759526, gnomAD 0.03%). This variant has not been reported in the literature in individuals affected with NLRC4-related conditions. ClinVar contains an entry for this variant (Variation ID: 581834). Invitae Evidence Modeling of protein sequence and biophysical properties (such as structural, functional, and spatial information, amino acid conservation, physicochemical variation, residue mobility, and thermodynamic stability) indicates that this missense variant is not expected to disrupt NLRC4 protein function with a negative predictive value of 80%. Algorithms developed to predict the effect of sequence changes on RNA splicing suggest that this variant may create or strengthen a splice site. In summary, the available evidence is currently insufficient to determine the role of this variant in disease. Therefore, it has been classified as a Variant of Uncertain Significance.

AiLife Diagnostics
Classification: Uncertain significance. Last evaluated: 2021-08-08. Review status: criteria provided, single submitter. Criteria: ACMG Guidelines, 2015. Collection method: clinical testing. Allele origin: germline. Affected: yes. Observed: 1 variant allele.

NM_001199138.2(NLRC4):c.2843G>A (p.Arg948His)

Gene: NLRC4 (NLR family CARD domain containing 4; minus strand). Cytogenetic location: 2p22.3.
Variant type: single nucleotide variant.
Coding change: c.2843G>A on transcript NM_001199138.2 (MANE Select); coding-DNA position 2843, G replaced by A.
Protein change: p.Arg948His; replaces arginine 948 with histidine.
Molecular consequence: missense variant.
Genome position (GRCh38, 1-based): chr2:32,224,705, C>T on the plus strand (G>A on the coding strand, the complement: NLRC4 is on the minus strand). VCF-style: chr2-32224705-C-T. GRCh37 (hg19) VCF-style: chr2-32449774-C-T.
Other names: c.2843G>A, p.Arg948His (NM_001199139.2, NM_021209.5); c.848G>A, p.Arg283His (NM_001302504.2); short protein forms R948H, R283H.
Identifiers: ClinVar variation 581834 (VCV000581834.12), dbSNP rs186759526, ClinGen allele CA1601660.
Genomic context (GRCh38, chr2:32,224,705, plus strand): 5'-ACTAATTGCTTAAGATTCTCAAATACACCCATGAAGGCAAGCCATCCATCACTGCTCACA[C>T]GATTTCCCGCCAAATTCAACTGCTGGAAGTTTTTCAGAGGGTTCTTTCCAAAAAATGCAC-3'
Protein context (NP_001186067.1, residues 938-958): NFQQLNLAGN[Arg948His]VSSDGWLAFM